The following is an entry in ClinVar:

ClinVar aggregate classification (germline): Uncertain significance. Review status: criteria provided, multiple submitters, no conflicts (2 of 4 stars). 5 submissions from 5 submitters: Uncertain significance (4). 1 of the submissions does not count toward it. Last evaluated 2024-10-13.

Conditions:
Hereditary breast ovarian cancer syndrome. Also called: Hereditary breast and ovarian cancer syndrome; Hereditary breast and ovarian cancer; Hereditary breast and ovarian cancer syndrome (HBOC); Breast and ovarian cancer; Hereditary breast and/or ovarian cancer syndrome; BRCA1- and BRCA2-Associated Hereditary Breast and Ovarian Cancer. Identifiers: Orphanet 145, MedGen C0677776, MeSH D061325, MONDO:0003582. Disease mechanism: loss of function.
BRCA2-related cancer predisposition. Identifiers: MedGen CN377758, MONDO:0700269.
Breast and/or ovarian cancer. Identifiers: MedGen CN221562.
Hereditary cancer-predisposing syndrome. Also called: Neoplastic Syndromes, Hereditary; Tumor predisposition; Hereditary Cancer Syndrome; Hereditary neoplastic syndrome. Identifiers: Orphanet 140162, MedGen C0027672, MeSH D009386, MONDO:0015356.

Submissions (5):

Labcorp Genetics (formerly Invitae), Labcorp
Classification: Uncertain significance for Hereditary breast ovarian cancer syndrome. Last evaluated: 2024-10-13. Review status: criteria provided, single submitter. Criteria: Invitae Variant Classification Sherloc (09022015). Collection method: clinical testing. Allele origin: germline.
Comment: This sequence change replaces serine, which is neutral and polar, with proline, which is neutral and non-polar, at codon 2360 of the BRCA2 protein (p.Ser2360Pro). This variant is not present in population databases (gnomAD no frequency). This variant has not been reported in the literature in individuals affected with BRCA2-related conditions. ClinVar contains an entry for this variant (Variation ID: 483081). Invitae Evidence Modeling of protein sequence and biophysical properties (such as structural, functional, and spatial information, amino acid conservation, physicochemical variation, residue mobility, and thermodynamic stability) indicates that this missense variant is not expected to disrupt BRCA2 protein function with a negative predictive value of 95%. In summary, the available evidence is currently insufficient to determine the role of this variant in disease. Therefore, it has been classified as a Variant of Uncertain Significance.

All of Us Research Program, National Institutes of Health
Classification: Uncertain significance for BRCA2-related cancer predisposition. Last evaluated: 2024-05-14. Review status: criteria provided, single submitter. Criteria: ACMG Guidelines, 2015. Collection method: clinical testing. Allele origin: germline. Inheritance: Autosomal dominant inheritance. Observed: 1 variant allele, 1 heterozygote.
Comment: This missense variant replaces serine with proline at codon 2360 of the BRCA2 protein. Computational prediction suggests that this variant may not impact protein structure and function. This variant does not impact cell viability or drug sensitivity in Brca2-deficient mouse embryonic stem cells (PMID: 37922907). To our knowledge, this variant has not been reported in individuals affected with BRCA2-related disorders in the literature. This variant has not been identified in the general population by the Genome Aggregation Database (gnomAD). The available evidence is insufficient to determine the role of this variant in disease conclusively. Therefore, this variant is classified as a Variant of Uncertain Significance.

This study involves interpretation of variants in research participants for the purpose of population health screening. Participant phenotype was not available at the time of variant classification. Additional details can be found in publication PMID: 35346344, PMCID: PMC8962531

Ambry Genetics
Classification: Uncertain significance for Hereditary cancer-predisposing syndrome. Last evaluated: 2024-01-16. Review status: criteria provided, single submitter. Criteria: Ambry Variant Classification Scheme 2023. Collection method: clinical testing. Allele origin: germline.
Comment: The p.S2360P variant (also known as c.7078T>C), located in coding exon 13 of the BRCA2 gene, results from a T to C substitution at nucleotide position 7078. The serine at codon 2360 is replaced by proline, an amino acid with similar properties. This amino acid position is not well conserved in available vertebrate species. In addition, the in silico prediction for this alteration is inconclusive. Since supporting evidence is limited at this time, the clinical significance of this alteration remains unclear.

Quest Diagnostics Nichols Institute San Juan Capistrano
Classification: Uncertain significance. Last evaluated: 2020-02-20. Review status: criteria provided, single submitter. Criteria: Quest Diagnostics criteria. Collection method: clinical testing. Allele origin: unknown.

Foulkes Cancer Genetics LDI, Lady Davis Institute for Medical Research
Classification: Uncertain significance for Breast and/or ovarian cancer. Last evaluated: 2011-04-27. Review status: no assertion criteria provided. Collection method: clinical testing. Allele origin: germline. Study: The Canadian Open Genetics Repository (COGR). Not counted in ClinVar's aggregate classification.

Literature cited by the submitters: PubMed 37922907 (cited by All of Us Research Program, National Institutes of Health).

NM_000059.4(BRCA2):c.7078T>C (p.Ser2360Pro)

Gene: BRCA2 (BRCA2 DNA repair associated; plus strand). Cytogenetic location: 13q13.1.
Variant type: single nucleotide variant.
Coding change: c.7078T>C on transcript NM_000059.4 (MANE Select); coding-DNA position 7078, T replaced by C.
Protein change: p.Ser2360Pro; replaces serine 2360 with proline.
Molecular consequence: missense variant.
Genome position (GRCh38, 1-based): chr13:32,354,931, T>C. VCF-style: chr13-32354931-T-C. GRCh37 (hg19) VCF-style: chr13-32929068-T-C.
Other names: short protein forms S2360P.
Identifiers: ClinVar variation 483081 (VCV000483081.15), dbSNP rs1555285991, ClinGen allele CA387738439.